The following is an entry in ClinVar:

ClinVar aggregate classification (germline): Uncertain significance (1 of 4 stars; one submission).

Conditions:
Inborn genetic diseases. Identifiers: MedGen C0950123, MeSH D030342.

Submission:

Ambry Genetics
Classification: Uncertain significance for Inborn genetic diseases. Last evaluated: 2026-06-19. Review status: criteria provided, single submitter. Criteria: Ambry Variant Classification Scheme 2023. Collection method: clinical testing. Allele origin: germline.
Comment: The p.V109L variant (also known as c.325G>T), located in coding exon 1 of the FANCM gene, results from a G to T substitution at nucleotide position 325. The valine at codon 109 is replaced by leucine, an amino acid with highly similar properties. This amino acid position is conserved. In addition, this alteration is predicted to be tolerated by in silico analysis. Based on the available evidence, the clinical significance of this variant remains unclear.

NM_020937.4(FANCM):c.325G>T (p.Val109Leu)

Gene: FANCM (FA complementation group M; plus strand). Cytogenetic location: 14q21.2.
Variant type: single nucleotide variant.
Coding change: c.325G>T on transcript NM_020937.4 (MANE Select); coding-DNA position 325, G replaced by T.
Protein change: p.Val109Leu; replaces valine 109 with leucine.
Molecular consequence: missense variant.
Genome position (GRCh38, 1-based): chr14:45,136,356, G>T. VCF-style: chr14-45136356-G-T. GRCh37 (hg19) VCF-style: chr14-45605559-G-T.
Other names: c.325G>T, p.Val109Leu (NM_001308133.2, NM_001308134.2); short protein forms V109L.
Identifiers: ClinVar variation 5036562 (VCV005036562.1).
Genomic context (GRCh38, chr14:45,136,356, plus strand): 5'-TGCCCAGTGCGGGACTACCAGCTGCACATTTCCCGGGCTGCTCTGTTTTGCAATACGCTG[G>T]TGTGTCTGCCTACCGGACTGGGAAAGACCTTTATTGCCGCCGTGGTCATGTACAATTTCT-3'
Protein context (NP_065988.1, residues 99-119): SRAALFCNTL[Val109Leu]CLPTGLGKTF